The following is an entry in ClinVar:

NM_001352754.2(ARMC9):c.1027-1G>A

Gene: ARMC9 (armadillo repeat containing 9; plus strand). Cytogenetic location: 2q37.1.
Variant type: single nucleotide variant.
Coding change: c.1027-1G>A on transcript NM_001352754.2 (MANE Select); the canonical splice acceptor site of the intron before coding-DNA position 1027, G replaced by A.
Molecular consequence: splice acceptor variant.
Genome position (GRCh38, 1-based): chr2:231,262,305, G>A. VCF-style: chr2-231262305-G-A. GRCh37 (hg19) VCF-style: chr2-232127018-G-A.
Other names: c.1027-1G>A (NM_001271466.4, NM_001352755.2, NM_001352756.2 and 3 more transcripts); c.928-1G>A (NM_001352757.2, NM_001352758.2).
Identifiers: ClinVar variation 2128510 (VCV002128510.4), dbSNP rs2469747764, ClinGen allele CA350956115.
Genomic context (GRCh38, chr2:231,262,305, plus strand): 5'-TGAGAAACTTTTCTCCATGATAAGACTTAGGTCTCACTACTTTTGTTTTTCTTTGCTCCA[G>A]CGCTTGACCACATCCCATCCTGGAGAGCAGAGGGAGACCGTTCTGCAAGCCTACATCAGC-3'

ClinVar aggregate classification (germline): Likely pathogenic (1 of 4 stars; one submission).

Submission:

Labcorp Genetics (formerly Invitae), Labcorp
Classification: Likely pathogenic. Last evaluated: 2023-11-06. Review status: criteria provided, single submitter. Criteria: Invitae Variant Classification Sherloc (09022015). Collection method: clinical testing. Allele origin: germline.
Comment: This sequence change affects an acceptor splice site in intron 10 of the ARMC9 gene. It is expected to disrupt RNA splicing. Variants that disrupt the donor or acceptor splice site typically lead to a loss of protein function (PMID: 16199547), and loss-of-function variants in ARMC9 are known to be pathogenic (PMID: 28625504). This variant is not present in population databases (gnomAD no frequency). This variant has not been reported in the literature in individuals affected with ARMC9-related conditions. ClinVar contains an entry for this variant (Variation ID: 2128510). Algorithms developed to predict the effect of sequence changes on RNA splicing suggest that this variant may disrupt the consensus splice site. In summary, the currently available evidence indicates that the variant is pathogenic, but additional data are needed to prove that conclusively. Therefore, this variant has been classified as Likely Pathogenic.

Literature cited by the submitters: PubMed 16199547; PubMed 28625504.